The following is an entry in ClinVar:

NM_000554.6(CRX):c.335C>T (p.Ala112Val)

Gene: CRX (cone-rod homeobox; plus strand). Cytogenetic location: 19q13.33.
Variant type: single nucleotide variant.
Coding change: c.335C>T on transcript NM_000554.6 (MANE Select); coding-DNA position 335, C replaced by T.
Protein change: p.Ala112Val; replaces alanine 112 with valine.
Molecular consequence: missense variant.
Genome position (GRCh38, 1-based): chr19:47,839,402, C>T. VCF-style: chr19-47839402-C-T. GRCh37 (hg19) VCF-style: chr19-48342659-C-T.
Other names: short protein forms A112V.
Identifiers: ClinVar variation 99602 (VCV000099602.8), dbSNP rs61748439, ClinGen allele CA227621.
Genomic context (GRCh38, chr19:47,839,402, plus strand): 5'-CTAAATGCAGGCAGCAGCGACAGCAGCAGAAACAGCAGCAGCAGCCCCCAGGGGGCCAGG[C>T]CAAGGCCCGGCCTGCCAAGAGGAAGGCGGGCACGTCCCCAAGACCCTCCACAGATGTGTG-3'
Protein context (NP_000545.1, residues 102-122): KQQQQPPGGQ[Ala112Val]KARPAKRKAG

ClinVar aggregate classification (germline): Uncertain significance. Review status: criteria provided, multiple submitters, no conflicts (2 of 4 stars). 4 submissions from 4 submitters: Uncertain significance (3). 1 of the submissions does not count toward it. Last evaluated 2022-06-01.

Conditions:
Leber congenital amaurosis 7 (LCA7). Identifiers: Orphanet 65, MedGen C3151192, MONDO:0013449, OMIM 613829.
Cone-rod dystrophy 2 (CORD2). Also called: CONE-ROD RETINAL DYSTROPHY; Cone-rod retinal dystrophy 2. Identifiers: Orphanet 1872, MedGen C3489532, MONDO:0007362, OMIM 120970.
Retinal dystrophy. Also called: Inherited retinal dystrophy. Identifiers: Orphanet 71862, MedGen C0854723, MeSH D058499, MONDO:0019118, HP:0000556.

Allele frequency attached by ClinVar (database versions not stated): gnomAD 0.00004 and 0.00005; TOPMed 0.00005; 1000 Genomes Project 0.00040; 1000 Genomes Project 30x 0.00047.
gnomAD v4.1: 42 of 1,613,758 alleles (0.0026%); highest among the groups gnomAD compares: East Asian, 0.085%; no homozygotes.

Submissions (4):

Blueprint Genetics
Classification: Uncertain significance. Last evaluated: 2022-06-01. Review status: criteria provided, single submitter. Criteria: ACMG Guidelines, 2015. Collection method: clinical testing. Allele origin: germline.

Labcorp Genetics (formerly Invitae), Labcorp
Classification: Uncertain significance for Cone-rod dystrophy 2; Leber congenital amaurosis 7. Last evaluated: 2022-03-03. Review status: criteria provided, single submitter. Criteria: Invitae Variant Classification Sherloc (09022015). Collection method: clinical testing. Allele origin: germline.
Comment: This sequence change replaces alanine, which is neutral and non-polar, with valine, which is neutral and non-polar, at codon 112 of the CRX protein (p.Ala112Val). This variant is present in population databases (rs61748439, gnomAD 0.1%). This missense change has been observed in individual(s) with inherited retinal dystrophy (PMID: 22960069, 31626798). ClinVar contains an entry for this variant (Variation ID: 99602). Algorithms developed to predict the effect of missense changes on protein structure and function (SIFT, PolyPhen-2, Align-GVGD) all suggest that this variant is likely to be tolerated. Algorithms developed to predict the effect of sequence changes on RNA splicing suggest that this variant may create or strengthen a splice site. In summary, the available evidence is currently insufficient to determine the role of this variant in disease. Therefore, it has been classified as a Variant of Uncertain Significance.

Institute of Human Genetics, Univ. Regensburg, Univ. Regensburg
Classification: Uncertain significance for Retinal dystrophy. Last evaluated: 2018-01-01. Review status: criteria provided, single submitter. Criteria: ACMG Guidelines, 2015. Collection method: clinical testing. Allele origin: germline. Affected: yes.

Retina International
No classification provided. Review status: no classification provided. Collection method: not provided. Allele origin: not provided. Not counted in ClinVar's aggregate classification.

Literature cited by the submitters: PubMed 22960069 (cited by Labcorp Genetics (formerly Invitae), Labcorp and Institute of Human Genetics, Univ. Regensburg, Univ. Regensburg); PubMed 31626798 (cited by Labcorp Genetics (formerly Invitae), Labcorp and Institute of Human Genetics, Univ. Regensburg, Univ. Regensburg).